The following is an entry in ClinVar:

ClinVar aggregate classification (germline): Benign/Likely benign. Review status: criteria provided, multiple submitters, no conflicts (2 of 4 stars). 7 submissions from 7 submitters: Benign (1); Likely benign (6). Last evaluated 2026-05-21.

Conditions:
Hereditary cancer-predisposing syndrome. Also called: Tumor predisposition; Hereditary neoplastic syndrome; Hereditary Cancer Syndrome; Neoplastic Syndromes, Hereditary. Identifiers: Orphanet 140162, MedGen C0027672, MeSH D009386, MONDO:0015356.
Cardiovascular phenotype. Identifiers: MedGen CN230736.
Neurofibromatosis, type 1 (NF1). Also called: Neurofibromatosis, type I; VON RECKLINGHAUSEN DISEASE; Peripheral type neurofibromatosis; NEUROFIBROMATOSIS, TYPE I, SOMATIC. Identifiers: Orphanet 636, MedGen C0027831, MONDO:0018975, OMIM 162200. Disease mechanism: loss of function.

Allele frequency attached by ClinVar (database versions not stated): gnomAD exomes 0.00001; ExAC 0.00003.
gnomAD v4.1: 6 of 1,586,030 alleles (0.00038%); highest among the groups gnomAD compares: Middle Eastern, 0.017%; no homozygotes.

Submissions (7):

Myriad Genetics, Inc.
Classification: Benign for Neurofibromatosis, type 1. Last evaluated: 2026-05-21. Review status: criteria provided, single submitter. Criteria: Myriad Autosomal Dominant, Autosomal Recessive and X-Linked Classification Criteria (2023). Collection method: clinical testing. Allele origin: unknown.
Comment: This variant is considered benign. This variant is a silent/synonymous amino acid change and it is not expected to impact splicing.

Labcorp Genetics (formerly Invitae), Labcorp
Classification: Likely benign for Neurofibromatosis, type 1. Last evaluated: 2026-01-20. Review status: criteria provided, single submitter. Criteria: Invitae Variant Classification Sherloc (09022015). Collection method: clinical testing. Allele origin: germline.

CeGaT Center for Human Genetics Tuebingen
Classification: Likely benign. Last evaluated: 2024-04-01. Review status: criteria provided, single submitter. Criteria: CeGaT Center For Human Genetics Tuebingen Variant Classification Criteria Version 2. Collection method: clinical testing. Allele origin: germline. Affected: yes. Observed: 1 variant allele.
Comment: NF1: BP4, BP7

Genome-Nilou Lab
Classification: Likely benign for Neurofibromatosis, type 1. Last evaluated: 2022-03-15. Review status: criteria provided, single submitter. Criteria: ACMG Guidelines, 2015. Collection method: clinical testing. Allele origin: germline. Affected: no.

Johns Hopkins Genomics, Johns Hopkins University
Classification: Likely benign for Neurofibromatosis, type 1. Last evaluated: 2020-01-23. Review status: criteria provided, single submitter. Criteria: ACMG Guidelines, 2015. Collection method: clinical testing. Allele origin: germline.

GeneDx
Classification: Likely benign. Last evaluated: 2018-01-03. Review status: criteria provided, single submitter. Criteria: GeneDx Variant Classification (06012015). Collection method: clinical testing. Allele origin: germline. Affected: yes.
Comment: This variant is considered likely benign or benign based on one or more of the following criteria: it is a conservative change, it occurs at a poorly conserved position in the protein, it is predicted to be benign by multiple in silico algorithms, and/or has population frequency not consistent with disease.

Ambry Genetics
Classification: Likely benign for Cardiovascular phenotype; Hereditary cancer-predisposing syndrome. Last evaluated: 2015-07-27. Review status: criteria provided, single submitter. Criteria: Ambry General Variant Classification Scheme_2022. Collection method: clinical testing. Allele origin: germline. Observed: 1 variant allele.

NM_001042492.3(NF1):c.7191G>A (p.Gly2397=)

Gene: NF1 (neurofibromin 1; plus strand). Cytogenetic location: 17q11.2.
Variant type: single nucleotide variant.
Coding change: c.7191G>A on transcript NM_001042492.3 (MANE Select); coding-DNA position 7191, G replaced by A.
Protein change: p.Gly2397=; no amino-acid change (glycine 2397 retained).
Molecular consequence: synonymous variant.
Genome position (GRCh38, 1-based): chr17:31,349,121, G>A. VCF-style: chr17-31349121-G-A. GRCh37 (hg19) VCF-style: chr17-29676139-G-A.
Other names: c.7128G>A, p.Gly2376= (NM_000267.4).
Identifiers: ClinVar variation 412963 (VCV000412963.35), dbSNP rs773474652, ClinGen allele CA8487528.